The following is an entry in ClinVar:

NM_000709.4(BCKDHA):c.293C>T (p.Pro98Leu)

Gene: BCKDHA (branched chain keto acid dehydrogenase E1 subunit alpha; plus strand). Cytogenetic location: 19q13.2.
Variant type: single nucleotide variant.
Coding change: c.293C>T on transcript NM_000709.4 (MANE Select); coding-DNA position 293, C replaced by T.
Protein change: p.Pro98Leu; replaces proline 98 with leucine.
Molecular consequence: missense variant.
Genome position (GRCh38, 1-based): chr19:41,410,927, C>T. VCF-style: chr19-41410927-C-T. GRCh37 (hg19) VCF-style: chr19-41916832-C-T.
Other names: c.293C>T, p.Pro98Leu (NM_001164783.2); c.293C>T (NM_000709.3); short protein forms P98L.
Identifiers: ClinVar variation 808587 (VCV000808587.52), dbSNP rs532803527, ClinGen allele CA9461080.

ClinVar aggregate classification (germline): Conflicting classifications of pathogenicity. Review status: criteria provided, conflicting classifications (1 of 4 stars). 4 submissions from 4 submitters: Uncertain significance (2); Likely benign (2). Last evaluated 2025-11-22.

Conditions:
Inborn genetic diseases. Identifiers: MedGen C0950123, MeSH D030342.
Maple syrup urine disease (MSUD). Identifiers: Orphanet 511, MedGen C0024776, MeSH D008375, MONDO:0009563. Disease mechanism: loss of function.

Allele frequency attached by ClinVar (database versions not stated): TOPMed 0.00001; gnomAD 0.00003 and 0.00007; gnomAD exomes 0.00016; ExAC 0.00019; 1000 Genomes Project 30x 0.00094; 1000 Genomes Project 0.00100.
gnomAD v4.1: 111 of 1,614,086 alleles (0.0069%); highest among the groups gnomAD compares: South Asian, 0.097%; no homozygotes.

Submissions (4):

Labcorp Genetics (formerly Invitae), Labcorp
Classification: Likely benign for Maple syrup urine disease. Last evaluated: 2025-11-22. Review status: criteria provided, single submitter. Criteria: Invitae Variant Classification Sherloc (09022015). Collection method: clinical testing. Allele origin: germline.

Ambry Genetics
Classification: Uncertain significance for Inborn genetic diseases. Last evaluated: 2024-06-26. Review status: criteria provided, single submitter. Criteria: Ambry Variant Classification Scheme 2023. Collection method: clinical testing. Allele origin: germline.
Comment: The p.P98L variant (also known as c.293C>T), located in coding exon 3 of the BCKDHA gene, results from a C to T substitution at nucleotide position 293. The proline at codon 98 is replaced by leucine, an amino acid with similar properties. This amino acid position is conserved. In addition, the in silico prediction for this alteration is inconclusive. Based on the available evidence, the clinical significance of this variant remains unclear.

Genome-Nilou Lab
Classification: Likely benign for Maple syrup urine disease type 1A. Last evaluated: 2021-11-07. Review status: criteria provided, single submitter. Criteria: ACMG Guidelines, 2015. Collection method: clinical testing. Allele origin: germline. Affected: no.

CeGaT Center for Human Genetics Tuebingen
Classification: Uncertain significance. Last evaluated: 2018-10-01. Review status: criteria provided, single submitter. Criteria: CeGaT Center For Human Genetics Tuebingen Variant Classification Criteria Version 2. Collection method: clinical testing. Allele origin: germline. Affected: yes. Observed: 1 variant allele.